The following is an entry in ClinVar:

NM_020937.4(FANCM):c.2507G>A (p.Cys836Tyr)

Gene: FANCM (FA complementation group M; plus strand). Cytogenetic location: 14q21.2.
Variant type: single nucleotide variant.
Coding change: c.2507G>A on transcript NM_020937.4 (MANE Select); coding-DNA position 2507, G replaced by A.
Protein change: p.Cys836Tyr; replaces cysteine 836 with tyrosine.
Molecular consequence: missense variant.
Genome position (GRCh38, 1-based): chr14:45,175,261, G>A. VCF-style: chr14-45175261-G-A. GRCh37 (hg19) VCF-style: chr14-45644464-G-A.
Other names: c.2429G>A, p.Cys810Tyr (NM_001308133.2); short protein forms C810Y, C836Y.
Identifiers: ClinVar variation 4826017 (VCV004826017.2).

ClinVar aggregate classification (germline): Uncertain significance. Review status: criteria provided, multiple submitters, no conflicts (2 of 4 stars). 2 submissions from 2 submitters: Uncertain significance (2). Last evaluated 2026-03-06.

Conditions:
Inborn genetic diseases. Identifiers: MedGen C0950123, MeSH D030342.

gnomAD v4.1: 1 of 1,604,098 alleles (0.000062%); highest among the groups gnomAD compares: African/African-American, 0.0013%; no homozygotes.

Submissions (2):

Ambry Genetics
Classification: Uncertain significance for Inborn genetic diseases. Last evaluated: 2026-03-06. Review status: criteria provided, single submitter. Criteria: Ambry Variant Classification Scheme 2023. Collection method: clinical testing. Allele origin: germline.
Comment: The p.C836Y variant (also known as c.2507G>A), located in coding exon 14 of the FANCM gene, results from a G to A substitution at nucleotide position 2507. The cysteine at codon 836 is replaced by tyrosine, an amino acid with highly dissimilar properties. This amino acid position is conserved. In addition, this alteration is predicted to be tolerated by in silico analysis. Based on the available evidence, the clinical significance of this variant remains unclear.

Blueprint Genetics
Classification: Uncertain significance. Last evaluated: 2024-03-19. Review status: criteria provided, single submitter. Criteria: ACMG Guidelines, 2015. Collection method: clinical testing. Allele origin: germline.